The following is an entry in ClinVar:

ClinVar aggregate classification (germline): Uncertain significance (1 of 4 stars; one submission).

Submission:

Labcorp Genetics (formerly Invitae), Labcorp
Classification: Uncertain significance. Last evaluated: 2025-11-10. Review status: criteria provided, single submitter. Criteria: Invitae Variant Classification Sherloc (09022015). Collection method: clinical testing. Allele origin: germline.
Comment: This sequence change replaces alanine, which is neutral and non-polar, with threonine, which is neutral and polar, at codon 62 of the RCOR1 protein (p.Ala62Thr). This variant is not present in population databases (gnomAD no frequency). This variant has not been reported in the literature in individuals affected with RCOR1-related conditions. ClinVar contains an entry for this variant (Variation ID: 3669503). Experimental studies and prediction algorithms are not available or were not evaluated, and the functional significance of this variant is currently unknown. In summary, the available evidence is currently insufficient to determine the role of this variant in disease. Therefore, it has been classified as a Variant of Uncertain Significance.

NM_015156.4(RCOR1):c.184G>A (p.Ala62Thr)

Genes: RCOR1 (REST corepressor 1; plus strand), LOC130056530 (ATAC-STARR-seq lymphoblastoid silent region 6127; plus strand). Cytogenetic location: 14q32.31.
Variant type: single nucleotide variant.
Coding change: c.184G>A on transcript NM_015156.4 (MANE Select); coding-DNA position 184, G replaced by A.
Protein change: p.Ala62Thr; replaces alanine 62 with threonine.
Molecular consequence: missense variant.
Genome position (GRCh38, 1-based): chr14:102,593,070, G>A. VCF-style: chr14-102593070-G-A. GRCh37 (hg19) VCF-style: chr14-103059407-G-A.
Other names: short protein forms A62T.
Identifiers: ClinVar variation 3669503 (VCV003669503.2).